The following is an entry in ClinVar:

ClinVar aggregate classification (germline): Uncertain significance (1 of 4 stars; one submission).

Conditions:
Hereditary cancer-predisposing syndrome. Also called: Hereditary Cancer Syndrome; Hereditary neoplastic syndrome; Tumor predisposition; Neoplastic Syndromes, Hereditary. Identifiers: Orphanet 140162, MedGen C0027672, MeSH D009386, MONDO:0015356.
Cardiovascular phenotype. Identifiers: MedGen CN230736.

gnomAD v4.1: 2 of 1,573,498 alleles (0.00013%); highest among the groups gnomAD compares: Non-Finnish European, 0.00017%; no homozygotes.

Submission:

Ambry Genetics
Classification: Uncertain significance for Cardiovascular phenotype; Hereditary cancer-predisposing syndrome. Last evaluated: 2024-08-22. Review status: criteria provided, single submitter. Criteria: Ambry Variant Classification Scheme 2023. Collection method: clinical testing. Allele origin: germline.
Comment: The c.1150-3C>G intronic variant results from a C to G substitution 3 nucleotides upstream from coding exon 11 in the LZTR1 gene. This nucleotide position is well conserved in available vertebrate species. In silico splice site analysis predicts that this alteration may weaken the native splice acceptor site and will result in the creation or strengthening of a novel splice acceptor site. Based on the available evidence, the clinical significance of this variant remains unclear.

NM_006767.4(LZTR1):c.1150-3C>G

Gene: LZTR1 (leucine zipper like post translational regulator 1; plus strand). Cytogenetic location: 22q11.21.
Variant type: single nucleotide variant.
Coding change: c.1150-3C>G on transcript NM_006767.4 (MANE Select); 3 bases into the intron before coding-DNA position 1150, C replaced by G.
Molecular consequence: intron variant.
Genome position (GRCh38, 1-based): chr22:20,992,791, C>G. VCF-style: chr22-20992791-C-G. GRCh37 (hg19) VCF-style: chr22-21347080-C-G.
Identifiers: ClinVar variation 3541545 (VCV003541545.1).
Genomic context (GRCh38, chr22:20,992,791, plus strand): 5'-GCACCAGCCGCACTGTGGAGGCTCTGCTCCCCCACCATTCCACCCTGCCTTCTTGTCCCC[C>G]AGCTGCCCAGTGGGAGGCTCTTCCACGCGGCTGCTGTCATCTCGGACGCCATGTACATCT-3'